The following is an entry in ClinVar:

ClinVar aggregate classification (germline): Pathogenic. Review status: reviewed by expert panel (3 of 4 stars). 2 submissions from 2 submitters: Pathogenic (1). 1 of the submissions does not count toward it. Last evaluated 2017-12-15.

Conditions:
Breast-ovarian cancer, familial, susceptibility to, 2 (BROVCA2). Also called: BRCA2 Hereditary Breast and Ovarian Cancer. Identifiers: Orphanet 145, MedGen C2675520, MONDO:0012933, OMIM 612555. Disease mechanism: loss of function.
Malignant tumor of breast. Also called: Malignant breast neoplasm; Cancer breast. Identifiers: MedGen C0006142, MONDO:0007254. Disease mechanism: loss of function.

Submissions (2):

Evidence-based Network for the Interpretation of Germline Mutant Alleles (ENIGMA)
Classification: Pathogenic for Breast-ovarian cancer, familial, susceptibility to, 2. Last evaluated: 2017-12-15. Review status: reviewed by expert panel. Criteria: ENIGMA BRCA1/2 Classification Criteria (2017-06-29). Collection method: curation. Allele origin: germline. Study: ENIGMA.
Comment: Variant allele predicted to encode a truncated non-functional protein.

Department of Pathology and Laboratory Medicine, Sinai Health System
Classification: Pathogenic for Malignant tumor of breast. Review status: no assertion criteria provided. Collection method: clinical testing. Allele origin: unknown. Affected: yes. Study: The Canadian Open Genetics Repository (COGR). Not counted in ClinVar's aggregate classification.
Comment: The BRCA2 p.Leu1103X variant was not identified in the literature, nor was it identified in the dbSNP, 1000 Genomes Project, Exome Sequencing Project (Exome Variant Server), Exome Aggregation Consortium(released 14 March 2016), Fanconi Anemia Mutation Database (LOVD), COSMIC, ClinVar, Clinvitae, ARUP Laboratories BRCA Mutations Database, BIC, UMD or Myriad. The p.Leu1103X variant leads to a premature stop codon at position 1103, which is predicted to lead to a truncated or absent protein and loss of function. Loss of function variants of the BRCA2 gene are an established mechanism of disease in hereditary breast and ovarian cancer and is the type of variant expected to cause the disorder. In summary, based on the above information, this variant meets our laboratoryâ€šÃ„Ã´s criteria to be classified as pathogenic.

NM_000059.4(BRCA2):c.3308del (p.Asn1102_Leu1103insTer)

Gene: BRCA2 (BRCA2 DNA repair associated; plus strand). Cytogenetic location: 13q13.1.
Variant type: Deletion.
Coding change: c.3308del on transcript NM_000059.4 (MANE Select); coding-DNA position 3308, one base deleted (T; older notation c.3308delT).
Protein change: p.Asn1102_Leu1103insTer.
Molecular consequence: nonsense.
Genome position (GRCh38, 1-based): chr13:32,337,663, T deleted; the last of 3 consecutive T bases (chr13:32,337,661-32,337,663); deleting any one gives the same sequence. VCF-style (leftmost placement, unchanged base first): chr13-32337660-AT-A. GRCh37 (hg19) VCF-style: chr13-32911797-AT-A.
Other names: c.3308delT (NM_000059.3).
Identifiers: ClinVar variation 433774 (VCV000433774.3), dbSNP rs1555283160, ClinGen allele CA645372954.